The following is an entry in ClinVar:

NM_000088.4(COL1A1):c.1944T>C (p.Pro648=)

Gene: COL1A1 (collagen type I alpha 1 chain; minus strand). Cytogenetic location: 17q21.33.
Variant type: single nucleotide variant.
Coding change: c.1944T>C on transcript NM_000088.4 (MANE Select); coding-DNA position 1944, T replaced by C.
Protein change: p.Pro648=; no amino-acid change (proline 648 retained).
Molecular consequence: synonymous variant.
Genome position (GRCh38, 1-based): chr17:50,192,514, A>G on the plus strand (T>C on the coding strand, the complement: COL1A1 is on the minus strand). VCF-style: chr17-50192514-A-G. GRCh37 (hg19) VCF-style: chr17-48269875-A-G.
Other names: c.1944T>C (NM_000088.3).
Identifiers: ClinVar variation 1591252 (VCV001591252.10), dbSNP rs1301142840, ClinGen allele CA500847831.

ClinVar aggregate classification (germline): Likely benign. Review status: criteria provided, single submitter (1 of 4 stars). 2 submissions from 2 submitters: Likely benign (1). 1 of the submissions does not count toward it. Last evaluated 2023-10-03.

Conditions:
Osteogenesis imperfecta type I (OI1). Also called: OI, TYPE I; OSTEOGENESIS IMPERFECTA TARDA; OSTEOGENESIS IMPERFECTA WITH BLUE SCLERAE; Osteogenesis imperfecta type 1; Lobstein's Disease; Lobstein disease. Identifiers: Orphanet 216796, Orphanet 666, MedGen C0023931, MONDO:0008146, OMIM 166200. Disease mechanism: loss of function.
COL1A1-related disorder. Also called: COL1A1- related disease; COL1A1-related condition.

Allele frequency attached by ClinVar (database versions not stated): gnomAD exomes below 0.00001.
gnomAD v4.1: 1 of 1,614,068 alleles (0.000062%); highest among the groups gnomAD compares: Admixed American, 0.0017%; no homozygotes.

Submissions (2):

Labcorp Genetics (formerly Invitae), Labcorp
Classification: Likely benign for Osteogenesis imperfecta type I. Last evaluated: 2023-10-03. Review status: criteria provided, single submitter. Criteria: Invitae Variant Classification Sherloc (09022015). Collection method: clinical testing. Allele origin: germline.

PreventionGenetics, part of Exact Sciences
Classification: Likely benign for COL1A1-related condition. Last evaluated: 2024-02-21. Review status: no assertion criteria provided. Collection method: clinical testing. Allele origin: germline. Not counted in ClinVar's aggregate classification.
Comment: This variant is classified as likely benign based on ACMG/AMP sequence variant interpretation guidelines (Richards et al. 2015 PMID: 25741868, with internal and published modifications).